The following is an entry in ClinVar:

NM_004958.4(MTOR):c.504+1G>A

Gene: MTOR (mechanistic target of rapamycin kinase; minus strand). Cytogenetic location: 1p36.22.
Variant type: single nucleotide variant.
Coding change: c.504+1G>A on transcript NM_004958.4 (MANE Select); the canonical splice donor site of the intron after coding-DNA position 504, G replaced by A.
Molecular consequence: splice donor variant.
Genome position (GRCh38, 1-based): chr1:11,256,932, C>T on the plus strand (G>A on the coding strand, the complement: MTOR is on the minus strand). VCF-style: chr1-11256932-C-T. GRCh37 (hg19) VCF-style: chr1-11316989-C-T.
Other names: c.-636+1G>A (NM_001386501.1); c.504+1G>A (NM_001386500.1).
Identifiers: ClinVar variation 3641832 (VCV003641832.2).

ClinVar aggregate classification (germline): Uncertain significance (1 of 4 stars; one submission).

Submission:

Labcorp Genetics (formerly Invitae), Labcorp
Classification: Uncertain significance. Last evaluated: 2025-09-08. Review status: criteria provided, single submitter. Criteria: Invitae Variant Classification Sherloc (09022015). Collection method: clinical testing. Allele origin: germline.
Comment: This sequence change affects a donor splice site in intron 4 of the MTOR gene. It is expected to disrupt RNA splicing. Variants that disrupt the donor or acceptor splice site typically lead to a loss of protein function (PMID: 16199547), however the current clinical and genetic evidence is not sufficient to establish whether loss-of-function variants in MTOR cause disease. This variant is not present in population databases (gnomAD no frequency). This variant has not been reported in the literature in individuals affected with MTOR-related conditions. ClinVar contains an entry for this variant (Variation ID: 3641832). Algorithms developed to predict the effect of sequence changes on RNA splicing suggest that this variant may disrupt the consensus splice site. In summary, the available evidence is currently insufficient to determine the role of this variant in disease. Therefore, it has been classified as a Variant of Uncertain Significance.

Literature cited by the submitters: PubMed 16199547.